The following is an entry in ClinVar:

ClinVar aggregate classification (germline): Uncertain significance. Review status: criteria provided, multiple submitters, no conflicts (2 of 4 stars). 2 submissions from 2 submitters: Uncertain significance (2). Last evaluated 2024-12-07.

Conditions:
Tuberous sclerosis 2 (TSC2). Identifiers: Orphanet 805, MedGen C1860707, MONDO:0013199, OMIM 613254.
Hereditary cancer-predisposing syndrome. Also called: Neoplastic Syndromes, Hereditary; Tumor predisposition; Hereditary Cancer Syndrome; Hereditary neoplastic syndrome. Identifiers: Orphanet 140162, MedGen C0027672, MeSH D009386, MONDO:0015356.

Submissions (2):

Ambry Genetics
Classification: Uncertain significance for Hereditary cancer-predisposing syndrome. Last evaluated: 2024-12-07. Review status: criteria provided, single submitter. Criteria: Ambry Variant Classification Scheme 2023. Collection method: clinical testing. Allele origin: germline.
Comment: The p.S1079A variant (also known as c.3235T>G), located in coding exon 27 of the TSC2 gene, results from a T to G substitution at nucleotide position 3235. The serine at codon 1079 is replaced by alanine, an amino acid with similar properties. This amino acid position is conserved. In addition, the in silico prediction for this alteration is inconclusive. Based on the available evidence, the clinical significance of this variant remains unclear.

Labcorp Genetics (formerly Invitae), Labcorp
Classification: Uncertain significance for Tuberous sclerosis 2. Last evaluated: 2024-07-15. Review status: criteria provided, single submitter. Criteria: Invitae Variant Classification Sherloc (09022015). Collection method: clinical testing. Allele origin: germline.
Comment: This sequence change replaces serine, which is neutral and polar, with alanine, which is neutral and non-polar, at codon 1079 of the TSC2 protein (p.Ser1079Ala). This variant is not present in population databases (gnomAD no frequency). This variant has not been reported in the literature in individuals affected with TSC2-related conditions. ClinVar contains an entry for this variant (Variation ID: 535952). Advanced modeling of protein sequence and biophysical properties (such as structural, functional, and spatial information, amino acid conservation, physicochemical variation, residue mobility, and thermodynamic stability) performed at Invitae indicates that this missense variant is not expected to disrupt TSC2 protein function with a negative predictive value of 95%. In summary, the available evidence is currently insufficient to determine the role of this variant in disease. Therefore, it has been classified as a Variant of Uncertain Significance.

NM_000548.5(TSC2):c.3235T>G (p.Ser1079Ala)

Gene: TSC2 (TSC complex subunit 2; plus strand). Cytogenetic location: 16p13.3.
Variant type: single nucleotide variant.
Coding change: c.3235T>G on transcript NM_000548.5 (MANE Select); coding-DNA position 3235, T replaced by G.
Protein change: p.Ser1079Ala; replaces serine 1079 with alanine.
Molecular consequence: missense variant.
Genome position (GRCh38, 1-based): chr16:2,079,379, T>G. VCF-style: chr16-2079379-T-G. GRCh37 (hg19) VCF-style: chr16-2129380-T-G.
Other names: c.3103T>G, p.Ser1035Ala (NM_001077183.3, NM_001370404.1); c.3235T>G, p.Ser1079Ala (NM_001114382.3); c.2995T>G, p.Ser999Ala (NM_001318827.2); c.2959T>G, p.Ser987Ala (NM_001318829.2); c.2503T>G, p.Ser835Ala (NM_001318831.2); c.3136T>G, p.Ser1046Ala (NM_001318832.2); c.3106T>G, p.Ser1036Ala (NM_001363528.2, NM_001370405.1, NM_021055.3); short protein forms S1079A, S1036A, S999A, S1035A, S987A, S1046A, S835A.
Identifiers: ClinVar variation 535952 (VCV000535952.9), dbSNP rs1555510643, ClinGen allele CA394286037.